The following is an entry in ClinVar:

ClinVar aggregate classification (germline): Likely benign. Review status: criteria provided, single submitter (1 of 4 stars). 2 submissions from 2 submitters: Likely benign (1). 1 of the submissions does not count toward it. Last evaluated 2025-01-01.

Conditions:
FAM234B-related disorder. Also called: FAM234B-related condition.

Allele frequency attached by ClinVar (database versions not stated): 1000 Genomes Project 30x 0.00016; 1000 Genomes Project 0.00020; gnomAD exomes 0.00041; gnomAD 0.00063; ExAC 0.00068; TOPMed 0.00076; ESP Exome Variant Server 0.00092.
gnomAD v4.1: 747 of 1,614,076 alleles (0.046%); highest among the groups gnomAD compares: Admixed American, 0.088%; 4 homozygotes.

Submissions (2):

CeGaT Center for Human Genetics Tuebingen
Classification: Likely benign. Last evaluated: 2025-01-01. Review status: criteria provided, single submitter. Criteria: CeGaT Center For Human Genetics Tuebingen Variant Classification Criteria Version 2. Collection method: clinical testing. Allele origin: germline. Affected: yes. Observed: 1 variant allele.
Comment: FAM234B: BP4

PreventionGenetics, part of Exact Sciences
Classification: Benign for FAM234B-related condition. Last evaluated: 2019-10-28. Review status: no assertion criteria provided. Collection method: clinical testing. Allele origin: germline. Not counted in ClinVar's aggregate classification.
Comment: This variant is classified as benign based on ACMG/AMP sequence variant interpretation guidelines (Richards et al. 2015 PMID: 25741868, with internal and published modifications).

NM_020853.2(FAM234B):c.1559A>G (p.His520Arg)

Gene: FAM234B (family with sequence similarity 234 member B; plus strand). Cytogenetic location: 12p13.1.
Variant type: single nucleotide variant.
Coding change: c.1559A>G on transcript NM_020853.2 (MANE Select); coding-DNA position 1559, A replaced by G.
Protein change: p.His520Arg; replaces histidine 520 with arginine.
Molecular consequence: missense variant.
Genome position (GRCh38, 1-based): chr12:13,076,060, A>G. VCF-style: chr12-13076060-A-G. GRCh37 (hg19) VCF-style: chr12-13228994-A-G.
Other names: short protein forms H520R.
Identifiers: ClinVar variation 3040682 (VCV003040682.15), dbSNP rs148778156, ClinGen allele CA6459878.